The following is an entry in ClinVar:

NM_152564.5(VPS13B):c.10190G>T (p.Cys3397Phe)

Gene: VPS13B (vacuolar protein sorting 13 homolog B; plus strand). Cytogenetic location: 8q22.2.
Variant type: single nucleotide variant.
Coding change: c.10190G>T on transcript NM_152564.5 (MANE Select); coding-DNA position 10190, G replaced by T.
Protein change: p.Cys3397Phe; replaces cysteine 3397 with phenylalanine.
Molecular consequence: missense variant.
Genome position (GRCh38, 1-based): chr8:99,853,579, G>T. VCF-style: chr8-99853579-G-T. GRCh37 (hg19) VCF-style: chr8-100865807-G-T.
Other names: c.10265G>T, p.Cys3422Phe (NM_017890.5); short protein forms C3397F, C3422F.
Identifiers: ClinVar variation 4999067 (VCV004999067.1).
Genomic context (GRCh38, chr8:99,853,579, plus strand): 5'-TCACCCACCACAAAGCATCAGCTGAGCTTCTGAGACTCACACTGGACAACATTTTTCTCT[G>T]TGTGGCCCCGGGAGCTGGTCCCCTCCCTGGGGAAGAGCCTGTGGCTGCGTTGTTTGAACT-3'
Protein context (NP_689777.3, residues 3387-3407): LRLTLDNIFL[Cys3397Phe]VAPGAGPLPG

ClinVar aggregate classification (germline): Uncertain significance (1 of 4 stars; one submission).

Conditions:
VPS13B-related disorder. Also called: VPS13B-related condition.

Submission:

PreventionGenetics, part of Exact Sciences
Classification: Uncertain significance for VPS13B-related condition. Last evaluated: 2025-07-09. Review status: criteria provided, single submitter. Criteria: ACMG Guidelines, 2015. Collection method: clinical testing. Allele origin: germline.
Comment: The VPS13B c.10190G>T variant is predicted to result in the amino acid substitution p.Cys3397Phe. To our knowledge, this variant has not been reported in the literature or in a large population database (gnomAD), indicating this variant is rare. At this time, the clinical significance of this variant is uncertain due to the absence of conclusive functional and genetic evidence.